The following is an entry in ClinVar:

ClinVar aggregate classification (germline): Uncertain significance. Review status: criteria provided, multiple submitters, no conflicts (2 of 4 stars). 3 submissions from 3 submitters: Uncertain significance (3). Last evaluated 2025-11-12.

Conditions:
Inborn genetic diseases. Identifiers: MedGen C0950123, MeSH D030342.

Allele frequency attached by ClinVar (database versions not stated): gnomAD 0.00001.
gnomAD v4.1: 4 of 1,198,561 alleles (0.00033%); highest among the groups gnomAD compares: Non-Finnish European, 0.00045%; no homozygotes.

Submissions (3):

Ambry Genetics
Classification: Uncertain significance for Inborn genetic diseases. Last evaluated: 2025-11-12. Review status: criteria provided, single submitter. Criteria: Ambry Variant Classification Scheme 2023. Collection method: clinical testing. Allele origin: germline.

Labcorp Genetics (formerly Invitae), Labcorp
Classification: Uncertain significance. Last evaluated: 2023-01-16. Review status: criteria provided, single submitter. Criteria: Invitae Variant Classification Sherloc (09022015). Collection method: clinical testing. Allele origin: germline.
Comment: This variant has not been reported in the literature in individuals affected with CACNA1F-related conditions. Algorithms developed to predict the effect of missense changes on protein structure and function (SIFT, PolyPhen-2, Align-GVGD) all suggest that this variant is likely to be tolerated. In summary, the available evidence is currently insufficient to determine the role of this variant in disease. Therefore, it has been classified as a Variant of Uncertain Significance. This variant is not present in population databases (gnomAD no frequency). This sequence change replaces lysine, which is basic and polar, with methionine, which is neutral and non-polar, at codon 1656 of the CACNA1F protein (p.Lys1656Met).

Blueprint Genetics
Classification: Uncertain significance. Last evaluated: 2019-12-12. Review status: criteria provided, single submitter. Criteria: ACMG Guidelines, 2015. Collection method: clinical testing. Allele origin: germline.

NM_001256789.3(CACNA1F):c.4934A>T (p.Lys1645Met)

Genes: CACNA1F (calcium voltage-gated channel subunit alpha1 F; minus strand), LOC126863257 (BRD4-independent group 4 enhancer GRCh37_chrX:49065732-49066931; plus strand). Cytogenetic location: Xp11.23.
Variant type: single nucleotide variant.
Coding change: c.4934A>T on transcript NM_001256789.3 (MANE Select); coding-DNA position 4934, A replaced by T.
Protein change: p.Lys1645Met; replaces lysine 1645 with methionine.
Molecular consequence: missense variant.
Genome position (GRCh38, 1-based): chrX:49,209,281, T>A on the plus strand (A>T on the coding strand, the complement: CACNA1F is on the minus strand). VCF-style: chrX-49209281-T-A. GRCh37 (hg19) VCF-style: chrX-49065741-T-A.
Other names: c.4967A>T, p.Lys1656Met (NM_005183.4); c.4772A>T, p.Lys1591Met (NM_001256790.3); c.4967A>T (NM_005183.2); short protein forms K1591M, K1645M, K1656M.
Identifiers: ClinVar variation 3023880 (VCV003023880.5), dbSNP rs956965727, ClinGen allele CA329136743.